The following is an entry in ClinVar:

NC_000016.10:g.(?_68645380)_(68698400_?)dup

Gene: CDH3 (cadherin 3; plus strand). Cytogenetic location: 16q22.1.
Variant type: Duplication.
Identifiers: ClinVar variation 833086 (VCV000833086.1).

ClinVar aggregate classification (germline): Uncertain significance (1 of 4 stars; one submission).

Submission:

Labcorp Genetics (formerly Invitae), Labcorp
Classification: Uncertain significance. Last evaluated: 2019-09-19. Review status: criteria provided, single submitter. Criteria: Invitae Variant Classification Sherloc (09022015). Collection method: clinical testing. Allele origin: germline.
Comment: This variant results in a copy number gain of the genomic region encompassing the full coding sequence of the CDH3 gene. The boundaries of this event are unknown as they extend beyond the assayed region for this gene and therefore may encompass additional genes. As the precise location of this event is unknown, it may be in tandem or it may be located elsewhere in the genome. This variant has not been reported in the literature in individuals with CDH3-related conditions. In summary, the available evidence is currently insufficient to determine the role of this variant in disease. Therefore, it has been classified as a Variant of Uncertain Significance.